The following is an entry in ClinVar:

NC_000006.12:g.46079766A>T

Gene: CLIC5 (CLIC family member 5; minus strand). Cytogenetic location: 6p21.1.
Variant type: single nucleotide variant.
Molecular consequence: missense variant (on NM_001114086.2). On other transcripts: intron variant (1).
Genome position: GRCh38 VCF-style: chr6-46079766-A-T. GRCh37 (hg19) VCF-style: chr6-46047503-A-T.
Other names: c.477T>A, p.Asp159Glu (NM_001114086.2, NM_001370650.1); c.-55+49738T>A (NM_001370649.1); short protein forms D159E.
Identifiers: ClinVar variation 3695464 (VCV003695464.2).

ClinVar aggregate classification (germline): Uncertain significance (1 of 4 stars; one submission).

gnomAD v4.1: 3 of 1,551,952 alleles (0.00019%); highest among the groups gnomAD compares: Non-Finnish European, 0.00017%; no homozygotes.

Submission:

Labcorp Genetics (formerly Invitae), Labcorp
Classification: Uncertain significance. Last evaluated: 2024-08-11. Review status: criteria provided, single submitter. Criteria: Invitae Variant Classification Sherloc (09022015). Collection method: clinical testing. Allele origin: germline.
Comment: This sequence change replaces aspartic acid, which is acidic and polar, with glutamic acid, which is acidic and polar, at codon 159 of the CLIC5 protein (p.Asp159Glu). This variant is not present in population databases (gnomAD no frequency). This variant has not been reported in the literature in individuals affected with CLIC5-related conditions. An algorithm developed to predict the effect of missense changes on protein structure and function outputs the following: PolyPhen-2: "Benign". The glutamic acid amino acid residue is found in multiple mammalian species, which suggests that this missense change does not adversely affect protein function. In summary, the available evidence is currently insufficient to determine the role of this variant in disease. Therefore, it has been classified as a Variant of Uncertain Significance.